The following is an entry in ClinVar:

ClinVar aggregate classification (germline): Pathogenic/Likely pathogenic. Review status: criteria provided, multiple submitters, no conflicts (2 of 4 stars). 3 submissions from 3 submitters: Pathogenic (2); Likely pathogenic (1). Last evaluated 2026-05-04.

Conditions:
Osteogenesis imperfecta type I (OI1). Also called: OI, TYPE I; OSTEOGENESIS IMPERFECTA TARDA; OSTEOGENESIS IMPERFECTA WITH BLUE SCLERAE; Osteogenesis imperfecta type 1; Lobstein's Disease; Lobstein disease. Identifiers: Orphanet 216796, Orphanet 666, MedGen C0023931, MONDO:0008146, OMIM 166200. Disease mechanism: loss of function.
COL1A1-related disorder. Also called: COL1A1- related disease; COL1A1-related condition.

Submissions (3):

MVZ Martinsried, Medicover Genetics
Classification: Pathogenic for Osteogenesis imperfecta type I. Last evaluated: 2026-05-04. Review status: criteria provided, single submitter. Criteria: ACGS Guidelines, 2020. Collection method: clinical testing. Allele origin: unknown. Affected: yes. Observed: 1 heterozygote.

PreventionGenetics, part of Exact Sciences
Classification: Likely pathogenic for COL1A1-related condition. Last evaluated: 2026-03-23. Review status: criteria provided, single submitter. Criteria: ACMG Guidelines, 2015. Collection method: clinical testing. Allele origin: germline.
Comment: The COL1A1 c.903+1G>T variant is predicted to disrupt the GT donor site and interfere with normal splicing. To our knowleage, this variant has not been reported in the literature or in a large population database (gnomAD), indicating this variant is rare. Variants that disrupt the consensus splice donor site in COL1A1 are expected to be pathogenic. In addition, an alternative substitution affecting the same nucleotide position (c.903+1G>A) has been reported in an individual with osteogenesis imperfecta (reported as de novo in Table S1, Tüysüz et al. 2022. PubMed ID: 34902613). This variant is interpreted as likely pathogenic.

Labcorp Genetics (formerly Invitae), Labcorp
Classification: Pathogenic for Osteogenesis imperfecta type I. Last evaluated: 2022-04-04. Review status: criteria provided, single submitter. Criteria: Invitae Variant Classification Sherloc (09022015). Collection method: clinical testing. Allele origin: germline.
Comment: This sequence change affects a donor splice site in intron 13 of the COL1A1 gene. It is expected to disrupt RNA splicing. Variants that disrupt the donor or acceptor splice site typically lead to a loss of protein function (PMID: 16199547), and loss-of-function variants in COL1A1 are known to be pathogenic (PMID: 7942841, 9295084, 9443882). This variant is not present in population databases (gnomAD no frequency). Disruption of this splice site has been observed in individual(s) with osteogenesis imperfecta (PMID: 25963598). Algorithms developed to predict the effect of sequence changes on RNA splicing suggest that this variant may disrupt the consensus splice site. For these reasons, this variant has been classified as Pathogenic.

Literature cited by the submitters: PubMed 16199547 (cited by Labcorp Genetics (formerly Invitae), Labcorp); PubMed 7942841 (cited by Labcorp Genetics (formerly Invitae), Labcorp); PubMed 9295084 (cited by Labcorp Genetics (formerly Invitae), Labcorp); PubMed 9443882 (cited by Labcorp Genetics (formerly Invitae), Labcorp); PubMed 25963598 (cited by Labcorp Genetics (formerly Invitae), Labcorp).

NM_000088.4(COL1A1):c.903+1G>T

Genes: COL1A1 (collagen type I alpha 1 chain; minus strand), LOC126862586 (CDK7 strongly-dependent group 2 enhancer GRCh37_chr17:48273702-48274901; plus strand). Cytogenetic location: 17q21.33.
Variant type: single nucleotide variant.
Coding change: c.903+1G>T on transcript NM_000088.4 (MANE Select); the canonical splice donor site of the intron after coding-DNA position 903, G replaced by T.
Molecular consequence: splice donor variant.
Genome position (GRCh38, 1-based): chr17:50,196,483, C>A on the plus strand (G>T on the coding strand, the complement: COL1A1 is on the minus strand). VCF-style: chr17-50196483-C-A. GRCh37 (hg19) VCF-style: chr17-48273844-C-A.
Other names: c.903+1G>T (NM_000088.3).
Identifiers: ClinVar variation 2121338 (VCV002121338.6), dbSNP rs1298621011, ClinGen allele CA400222000.